The following is an entry in ClinVar:

NM_001042472.3(ABHD12):c.1099G>T (p.Asp367Tyr)

Gene: ABHD12 (abhydrolase domain containing 12, lysophospholipase; minus strand). Cytogenetic location: 20p11.21.
Variant type: single nucleotide variant.
Coding change: c.1099G>T on transcript NM_001042472.3 (MANE Select); coding-DNA position 1099, G replaced by T.
Protein change: p.Asp367Tyr; replaces aspartic acid 367 with tyrosine.
Molecular consequence: missense variant.
Genome position (GRCh38, 1-based): chr20:25,302,277, C>A on the plus strand (G>T on the coding strand, the complement: ABHD12 is on the minus strand). VCF-style: chr20-25302277-C-A. GRCh37 (hg19) VCF-style: chr20-25282913-C-A.
Other names: c.1099G>T, p.Asp367Tyr (NM_015600.5); short protein forms D367Y.
Identifiers: ClinVar variation 1918567 (VCV001918567.5), dbSNP rs747382300, ClinGen allele CA313712872.

ClinVar aggregate classification (germline): Uncertain significance (1 of 4 stars; one submission).

Allele frequency attached by ClinVar (database versions not stated): gnomAD exomes 0.00001.
gnomAD v4.1: 13 of 1,613,852 alleles (0.00081%); highest among the groups gnomAD compares: Middle Eastern, 0.017%; no homozygotes.

Submission:

Labcorp Genetics (formerly Invitae), Labcorp
Classification: Uncertain significance. Last evaluated: 2022-05-28. Review status: criteria provided, single submitter. Criteria: Invitae Variant Classification Sherloc (09022015). Collection method: clinical testing. Allele origin: germline.
Comment: In summary, the available evidence is currently insufficient to determine the role of this variant in disease. Therefore, it has been classified as a Variant of Uncertain Significance. Algorithms developed to predict the effect of sequence changes on RNA splicing suggest that this variant may disrupt the consensus splice site. Algorithms developed to predict the effect of missense changes on protein structure and function (SIFT, PolyPhen-2, Align-GVGD) all suggest that this variant is likely to be disruptive. This variant has not been reported in the literature in individuals affected with ABHD12-related conditions. This variant is present in population databases (rs747382300, gnomAD 0.003%). This sequence change replaces aspartic acid, which is acidic and polar, with tyrosine, which is neutral and polar, at codon 367 of the ABHD12 protein (p.Asp367Tyr).